The following is an entry in ClinVar:

ClinVar aggregate classification (germline): Pathogenic (1 of 4 stars; one submission).

Conditions:
Joubert syndrome 15 (JBTS15). Identifiers: Orphanet 475, MedGen C3280897, MONDO:0013763, OMIM 614464.

Submission:

Labcorp Genetics (formerly Invitae), Labcorp
Classification: Pathogenic for Joubert syndrome 15. Last evaluated: 2024-05-01. Review status: criteria provided, single submitter. Criteria: Invitae Variant Classification Sherloc (09022015). Collection method: clinical testing. Allele origin: germline.
Comment: This sequence change creates a premature translational stop signal (p.Arg181Ilefs*23) in the CEP41 gene. It is expected to result in an absent or disrupted protein product. Loss-of-function variants in CEP41 are known to be pathogenic (PMID: 22246503). This variant is not present in population databases (gnomAD no frequency). This variant has not been reported in the literature in individuals affected with CEP41-related conditions. For these reasons, this variant has been classified as Pathogenic.

Literature cited by the submitters: PubMed 22246503.

NM_018718.3(CEP41):c.542_545del (p.Arg181fs)

Gene: CEP41 (centrosomal protein 41; minus strand). Cytogenetic location: 7q32.2.
Variant type: Deletion.
Coding change: c.542_545del on transcript NM_018718.3 (MANE Select); coding-DNA positions 542 to 545, 4 bases deleted (GAGA; older notation c.542_545delGAGA).
Protein change: p.Arg181fs; shifts the reading frame from arginine 181.
Molecular consequence: frameshift variant. On other transcripts: non-coding transcript variant (1).
Genome position (GRCh38, 1-based): chr7:130,402,677-130,402,680, TCTC deleted on the plus strand (GAGA on the coding strand, the reverse complement: CEP41 is on the minus strand); deleting any 4 consecutive bases within chr7:130,402,677-130,402,681 gives the same sequence; the c. name uses the placement nearest the transcript's 3' end. VCF-style (leftmost placement, unchanged base first): chr7-130402676-ATCTC-A. GRCh37 (hg19) VCF-style: chr7-130042517-ATCTC-A.
Other names: c.542_545del, p.Arg181fs (NM_001257158.2); c.494_497del, p.Arg165fs (NM_001257159.2); short protein forms R165fs, R181fs.
Identifiers: ClinVar variation 3650399 (VCV003650399.2).
Genomic context (GRCh38, chr7:130,402,676, plus strand): 5'-AGTGAGGCACTTTAAAGCCTTCTCTCTCTTACCTCCAACAATGTGGCACTGCTGGTAAGA[ATCTC>A]TATCACGCACATCTAGCAGCAGGAAGGGGCAGTCAGGATAAGGTTTGTCTTTGGTATGGG-3'